The following is an entry in ClinVar:

ClinVar aggregate classification (germline): Uncertain significance (1 of 4 stars; one submission).

Conditions:
Fanconi anemia (FA). Also called: Fanconi's anemia. Identifiers: Orphanet 84, MedGen C0015625, MeSH D005199, MONDO:0019391.

Allele frequency attached by ClinVar (database versions not stated): gnomAD exomes 0.00001; TOPMed 0.00001.
gnomAD v4.1: 11 of 1,613,738 alleles (0.00068%); highest among the groups gnomAD compares: Admixed American, 0.0033%; no homozygotes.

Submission:

Labcorp Genetics (formerly Invitae), Labcorp
Classification: Uncertain significance for Fanconi anemia. Last evaluated: 2021-07-01. Review status: criteria provided, single submitter. Criteria: Invitae Variant Classification Sherloc (09022015). Collection method: clinical testing. Allele origin: germline.
Comment: Algorithms developed to predict the effect of missense changes on protein structure and function are either unavailable or do not agree on the potential impact of this missense change (SIFT: "Tolerated"; PolyPhen-2: "Probably Damaging"; Align-GVGD: "Class C0"). This variant has been observed in individual(s) with oropharyngeal cancer, leukopenia and anemia (PMID: 28678401). This variant is not present in population databases (ExAC no frequency). This sequence change replaces glutamic acid with lysine at codon 1247 of the SLX4 protein (p.Glu1247Lys). The glutamic acid residue is weakly conserved and there is a small physicochemical difference between glutamic acid and lysine. In summary, the available evidence is currently insufficient to determine the role of this variant in disease. Therefore, it has been classified as a Variant of Uncertain Significance.

Literature cited by the submitters: PubMed 28678401.

NM_032444.4(SLX4):c.3739G>A (p.Glu1247Lys)

Gene: SLX4 (SLX4 structure-specific endonuclease subunit; minus strand). Cytogenetic location: 16p13.3.
Variant type: single nucleotide variant.
Coding change: c.3739G>A on transcript NM_032444.4 (MANE Select); coding-DNA position 3739, G replaced by A.
Protein change: p.Glu1247Lys; replaces glutamic acid 1247 with lysine.
Molecular consequence: missense variant.
Genome position (GRCh38, 1-based): chr16:3,589,899, C>T on the plus strand (G>A on the coding strand, the complement: SLX4 is on the minus strand). VCF-style: chr16-3589899-C-T. GRCh37 (hg19) VCF-style: chr16-3639900-C-T.
Other names: short protein forms E1247K.
Identifiers: ClinVar variation 1389692 (VCV001389692.6), dbSNP rs978074181, ClinGen allele CA276958830.